The following is an entry in ClinVar:

NM_018076.5(ODAD2):c.707G>A (p.Arg236Gln)

Gene: ODAD2 (outer dynein arm docking complex subunit 2; minus strand). Cytogenetic location: 10p12.1.
Variant type: single nucleotide variant.
Coding change: c.707G>A on transcript NM_018076.5 (MANE Select); coding-DNA position 707, G replaced by A.
Protein change: p.Arg236Gln; replaces arginine 236 with glutamine.
Molecular consequence: missense variant.
Genome position (GRCh38, 1-based): chr10:27,983,955, C>T on the plus strand (G>A on the coding strand, the complement: ODAD2 is on the minus strand). VCF-style: chr10-27983955-C-T. GRCh37 (hg19) VCF-style: chr10-28272884-C-T.
Other names: c.707G>A, p.Arg236Gln (NM_001290020.2); short protein forms R236Q.
Identifiers: ClinVar variation 3409765 (VCV003409765.2).

ClinVar aggregate classification (germline): Uncertain significance (1 of 4 stars; one submission).

Conditions:
Primary ciliary dyskinesia. Also called: Ciliary dyskinesia. Identifiers: Orphanet 244, MedGen C0008780, MONDO:0016575, HP:0012265.

gnomAD v4.1: 23 of 1,608,062 alleles (0.0014%); highest among the groups gnomAD compares: East Asian, 0.0045%; no homozygotes.

Submission:

Ambry Genetics
Classification: Uncertain significance for Primary ciliary dyskinesia. Last evaluated: 2025-08-19. Review status: criteria provided, single submitter. Criteria: Ambry Variant Classification Scheme 2023. Collection method: clinical testing. Allele origin: germline.
Comment: The p.R236Q variant (also known as c.707G>A), located in coding exon 5 of the ARMC4 gene, results from a G to A substitution at nucleotide position 707. The arginine at codon 236 is replaced by glutamine, an amino acid with highly similar properties. This amino acid position is conserved. In addition, the in silico prediction for this alteration is inconclusive. Based on the available evidence, the clinical significance of this variant remains unclear.